The following is an entry in ClinVar:

ClinVar aggregate classification (germline): Likely benign (1 of 4 stars; one submission).

gnomAD v4.1: 1 of 1,613,556 alleles (0.000062%); highest among the groups gnomAD compares: Non-Finnish European, 0.000085%; no homozygotes.

Submission:

Women's Health and Genetics/Laboratory Corporation of America, LabCorp
Classification: Likely benign. Last evaluated: 2026-04-30. Review status: criteria provided, single submitter. Criteria: LabCorp Variant Classification Summary - May 2015. Collection method: clinical testing. Allele origin: germline.
Comment: Variant summary: PSEN1 c.1249-13A>G alters a non-conserved nucleotide located at a position not widely known to affect splicing. Consensus agreement among computation tools predict no significant impact on normal splicing. However, these predictions have yet to be confirmed by functional studies. The variant was absent in 251364 control chromosomes. The available data on variant occurrences in the general population are insufficient to allow any conclusion about variant significance. To our knowledge, no occurrence of c.1249-13A>G in individuals affected with PSEN1-related conditions and no experimental evidence demonstrating its impact on protein function have been reported. No submitters have cited clinical-significance assessments for this variant to ClinVar. Based on the evidence outlined above, the variant was classified as likely benign.

NM_000021.4(PSEN1):c.1249-13A>G

Gene: PSEN1 (presenilin 1; plus strand). Cytogenetic location: 14q24.2.
Variant type: single nucleotide variant.
Coding change: c.1249-13A>G on transcript NM_000021.4 (MANE Select); 13 bases into the intron before coding-DNA position 1249, A replaced by G.
Molecular consequence: intron variant.
Genome position (GRCh38, 1-based): chr14:73,219,121, A>G. VCF-style: chr14-73219121-A-G. GRCh37 (hg19) VCF-style: chr14-73685829-A-G.
Other names: c.1237-13A>G (NM_007318.3).
Identifiers: ClinVar variation 4848878 (VCV004848878.1).